The following is an entry in ClinVar:

NM_000256.3(MYBPC3):c.666C>T (p.Phe222=)

Gene: MYBPC3 (myosin binding protein C3; minus strand). Cytogenetic location: 11p11.2.
Variant type: single nucleotide variant.
Coding change: c.666C>T on transcript NM_000256.3 (MANE Select); coding-DNA position 666, C replaced by T.
Protein change: p.Phe222=; no amino-acid change (phenylalanine 222 retained).
Molecular consequence: synonymous variant.
Genome position (GRCh38, 1-based): chr11:47,348,530, G>A on the plus strand (C>T on the coding strand, the complement: MYBPC3 is on the minus strand). VCF-style: chr11-47348530-G-A. GRCh37 (hg19) VCF-style: chr11-47370081-G-A.
Other names: c.666C>T, p.Phe222= (LRG_386t1).
Identifiers: ClinVar variation 414440 (VCV000414440.24), dbSNP rs371331114, ClinGen allele CA056407.

ClinVar aggregate classification (germline): Benign/Likely benign. Review status: criteria provided, multiple submitters, no conflicts (2 of 4 stars). 9 submissions from 9 submitters: Benign (1); Likely benign (8). Last evaluated 2025-12-16.

Conditions:
Cardiovascular phenotype. Identifiers: MedGen CN230736.
MYBPC3-related disorder. Also called: MYBPC3-related disorders; MYBPC3-related condition; MYBPC3-related disease.
Cardiomyopathy (CMYO). Also called: Cardiomyopathies. Identifiers: Orphanet 167848, MedGen C0878544, MONDO:0004994, HP:0001638. Inheritance: Various modes of inheritance.
Hypertrophic cardiomyopathy. Also called: HYPERTROPHIC MYOCARDIOPATHY. Identifiers: Orphanet 217569, MedGen C0007194, MeSH D002312, MONDO:0005045, HP:0001639.

Allele frequency attached by ClinVar (database versions not stated): gnomAD exomes 0.00004; ExAC 0.00006; ESP Exome Variant Server 0.00008; gnomAD 0.00011 and 0.00012; TOPMed 0.00014.
gnomAD v4.1: 50 of 1,612,180 alleles (0.0031%); highest among the groups gnomAD compares: African/African-American, 0.033%; no homozygotes.

Submissions (9):

Labcorp Genetics (formerly Invitae), Labcorp
Classification: Likely benign for Hypertrophic cardiomyopathy. Last evaluated: 2025-12-16. Review status: criteria provided, single submitter. Criteria: Invitae Variant Classification Sherloc (09022015). Collection method: clinical testing. Allele origin: germline.

PreventionGenetics, part of Exact Sciences
Classification: Likely benign for MYBPC3-related condition. Last evaluated: 2025-08-27. Review status: criteria provided, single submitter. Criteria: ACMG Guidelines, 2015. Collection method: clinical testing. Allele origin: germline.
Comment: This variant is classified as likely benign based on ACMG/AMP sequence variant interpretation guidelines (Richards et al. 2015 PMID: 25741868, with internal and published modifications).

Blueprint Genetics
Classification: Likely benign. Last evaluated: 2024-05-02. Review status: criteria provided, single submitter. Criteria: ACMG Guidelines, 2015. Collection method: clinical testing. Allele origin: germline.

All of Us Research Program, National Institutes of Health
Classification: Likely benign for Hypertrophic cardiomyopathy. Last evaluated: 2024-02-05. Review status: criteria provided, single submitter. Criteria: ACMG Guidelines, 2015. Collection method: clinical testing. Allele origin: germline. Inheritance: Autosomal dominant inheritance. Observed: 12 variant alleles, 12 heterozygotes.
Comment: This study involves interpretation of variants in research participants for the purpose of population health screening. Participant phenotype was not available at the time of variant classification. Additional details can be found in publication PMID: 35346344, PMCID: PMC8962531

Women's Health and Genetics/Laboratory Corporation of America, LabCorp
Classification: Likely benign. Last evaluated: 2023-08-19. Review status: criteria provided, single submitter. Criteria: LabCorp Variant Classification Summary - May 2015. Collection method: clinical testing. Allele origin: germline.

Color Diagnostics, LLC DBA Color Health
Classification: Likely benign for Cardiomyopathy. Last evaluated: 2022-11-06. Review status: criteria provided, single submitter. Criteria: ACMG Guidelines, 2015. Collection method: clinical testing. Allele origin: germline.

CHEO Genetics Diagnostic Laboratory, Children's Hospital of Eastern Ontario
Classification: Likely benign for Cardiomyopathy. Last evaluated: 2020-06-08. Review status: criteria provided, single submitter. Criteria: ACMG Guidelines, 2015. Collection method: clinical testing. Allele origin: germline.

Ambry Genetics
Classification: Likely benign for Cardiovascular phenotype. Last evaluated: 2017-03-14. Review status: criteria provided, single submitter. Criteria: Ambry Variant Classification Scheme 2023. Collection method: clinical testing. Allele origin: germline.

GeneDx
Classification: Benign. Last evaluated: 2015-03-03. Review status: criteria provided, single submitter. Criteria: GeneDx Variant Classification Process June 2021. Collection method: clinical testing. Allele origin: germline. Affected: yes.